The following is an entry in ClinVar:

ClinVar aggregate classification (germline): Pathogenic (1 of 4 stars; one submission).

Conditions:
Ataxia-telangiectasia syndrome (AT). Also called: AT, COMPLEMENTATION GROUP C; Ataxia telangiectasia (A-T); LOUIS-BAR SYNDROME; Ataxia-telangiectasia, complementation group D; Ataxia-telangiectasia, complementation group E; ATAXIA-TELANGIECTASIA, COMPLEMENTATION GROUP A. Identifiers: Orphanet 100, MedGen C0004135, MONDO:0008840, OMIM 208900.

Submission:

Labcorp Genetics (formerly Invitae), Labcorp
Classification: Pathogenic for Ataxia-telangiectasia syndrome. Last evaluated: 2022-03-03. Review status: criteria provided, single submitter. Criteria: Invitae Variant Classification Sherloc (09022015). Collection method: clinical testing. Allele origin: germline.
Comment: For these reasons, this variant has been classified as Pathogenic. This variant has not been reported in the literature in individuals affected with ATM-related conditions. This variant is not present in population databases (gnomAD no frequency). This sequence change creates a premature translational stop signal (p.Ser1411Alafs*40) in the ATM gene. It is expected to result in an absent or disrupted protein product. Loss-of-function variants in ATM are known to be pathogenic (PMID: 23807571, 25614872).

Literature cited by the submitters: PubMed 23807571; PubMed 25614872.

NM_000051.4(ATM):c.4231del (p.Ser1411fs)

Gene: ATM (ATM serine/threonine kinase; plus strand). Cytogenetic location: 11q22.3.
Variant type: Deletion.
Coding change: c.4231del on transcript NM_000051.4 (MANE Select); coding-DNA position 4231, one base deleted (A; older notation c.4231delA).
Protein change: p.Ser1411fs; shifts the reading frame from serine 1411.
Molecular consequence: frameshift variant.
Genome position (GRCh38, 1-based): chr11:108,289,098, A deleted; the last of 4 consecutive A bases (chr11:108,289,095-108,289,098); deleting any one gives the same sequence. VCF-style (leftmost placement, unchanged base first): chr11-108289094-CA-C. GRCh37 (hg19) VCF-style: chr11-108159821-CA-C.
Other names: c.4231del, p.Ser1411fs (NM_001351834.2); short protein forms S1411fs.
Identifiers: ClinVar variation 2106349 (VCV002106349.4), dbSNP rs2546905062, ClinGen allele CA2580083209.